The following is an entry in ClinVar:

NM_001267550.2(TTN):c.11311+5065A>G

Genes: TTN (titin; minus strand), LOC126806432 (CDK7 strongly-dependent group 2 enhancer GRCh37_chr2:179611985-179613184; plus strand). Cytogenetic location: 2q31.2.
Variant type: single nucleotide variant.
Coding change: c.11311+5065A>G on transcript NM_001267550.2 (MANE Select); 5065 bases into the intron after coding-DNA position 11311, A replaced by G.
Molecular consequence: intron variant. On other transcripts: missense variant (1).
Genome position (GRCh38, 1-based): chr2:178,748,059, T>C on the plus strand (A>G on the coding strand, the complement: TTN is on the minus strand). VCF-style: chr2-178748059-T-C. GRCh37 (hg19) VCF-style: chr2-179612786-T-C.
Other names: c.14341A>G, p.Met4781Val (NM_133379.5); c.10222+5065A>G (NM_003319.4); c.10798+5065A>G (NM_133437.4); c.10597+5065A>G (NM_133432.3); c.10360+5065A>G (NM_133378.4, NM_001256850.1); short protein forms M4781V.
Identifiers: ClinVar variation 4076482 (VCV004076482.1).

ClinVar aggregate classification (germline): Likely benign (1 of 4 stars; one submission).

Submission:

Molecular Diagnostic Laboratory for Inherited Cardiovascular Disease, Montreal Heart Institute
Classification: Likely benign. Last evaluated: 2025-07-24. Review status: criteria provided, single submitter. Criteria: ACMG Guidelines, 2015. Collection method: clinical testing. Allele origin: germline. Affected: no.
Comment: BP1